The following is an entry in ClinVar:

ClinVar aggregate classification (germline): Benign. Review status: criteria provided, multiple submitters, no conflicts (2 of 4 stars). 3 submissions from 3 submitters: Benign (3). Last evaluated 2025-12-08.

Allele frequency attached by ClinVar (database versions not stated): gnomAD exomes 0.00089 and 0.00267; ExAC 0.00334; gnomAD 0.00976 and 0.01049; 1000 Genomes Project 0.01038; 1000 Genomes Project 30x 0.01093; TOPMed 0.01132; ESP Exome Variant Server 0.01384.
gnomAD v4.1: 2,844 of 1,614,108 alleles (0.18%); highest among the groups gnomAD compares: African/African-American, 3.4%; 49 homozygotes.

Submissions (3):

Labcorp Genetics (formerly Invitae), Labcorp
Classification: Benign. Last evaluated: 2025-12-08. Review status: criteria provided, single submitter. Criteria: Invitae Variant Classification Sherloc (09022015). Collection method: clinical testing. Allele origin: germline.

CeGaT Center for Human Genetics Tuebingen
Classification: Benign. Last evaluated: 2025-07-01. Review status: criteria provided, single submitter. Criteria: CeGaT Center For Human Genetics Tuebingen Variant Classification Criteria Version 2. Collection method: clinical testing. Allele origin: germline. Affected: yes. Observed: 1 variant allele.
Comment: ALX1: BS1, BS2

Breakthrough Genomics
Classification: Benign. Review status: criteria provided, single submitter. Criteria: ACMG Guidelines, 2015. Collection method: not provided. Allele origin: germline. Inheritance: Autosomal recessive inheritance. Affected: yes.

NM_006982.3(ALX1):c.266A>G (p.His89Arg)

Gene: ALX1 (ALX homeobox 1; plus strand). Cytogenetic location: 12q21.31.
Variant type: single nucleotide variant.
Coding change: c.266A>G on transcript NM_006982.3 (MANE Select); coding-DNA position 266, A replaced by G.
Protein change: p.His89Arg; replaces histidine 89 with arginine.
Molecular consequence: missense variant.
Genome position (GRCh38, 1-based): chr12:85,283,611, A>G. VCF-style: chr12-85283611-A-G. GRCh37 (hg19) VCF-style: chr12-85677389-A-G.
Other names: short protein forms H89R.
Identifiers: ClinVar variation 784250 (VCV000784250.18), dbSNP rs75478848, ClinGen allele CA6709497.